The following is an entry in ClinVar:

NM_138927.4(SON):c.3651A>C (p.Gln1217His)

Gene: SON (SON DNA and RNA binding protein; plus strand). Cytogenetic location: 21q22.11.
Variant type: single nucleotide variant.
Coding change: c.3651A>C on transcript NM_138927.4 (MANE Select); coding-DNA position 3651, A replaced by C.
Protein change: p.Gln1217His; replaces glutamine 1217 with histidine.
Molecular consequence: missense variant. On other transcripts: non-coding transcript variant (1), intron variant (1).
Genome position (GRCh38, 1-based): chr21:33,552,882, A>C. VCF-style: chr21-33552882-A-C. GRCh37 (hg19) VCF-style: chr21-34925188-A-C.
Other names: c.3651A>C, p.Gln1217His (NM_001291411.2, NM_001412133.1, NM_032195.3 and 2 more transcripts); c.245-4274A>C (NM_001291412.3); short protein forms Q1217H.
Identifiers: ClinVar variation 1712852 (VCV001712852.4), dbSNP rs2517373484, ClinGen allele CA410160639.
Genomic context (GRCh38, chr21:33,552,882, plus strand): 5'-AGAGGTGCCATCATCACCATCTGAAGAGTCTGTATCGCAGCCTGAGCCTCCTGTGAGTCA[A>C]AGTGAGATTTCGGAGCCTTCAGCAGTGCCTACTGATTATTCAGTGTCAGCATCAGATCCC-3'
Protein context (NP_620305.3, residues 1207-1227): SVSQPEPPVS[Gln1217His]SEISEPSAVP

ClinVar aggregate classification (germline): Uncertain significance. Review status: criteria provided, multiple submitters, no conflicts (2 of 4 stars). 2 submissions from 2 submitters: Uncertain significance (2). Last evaluated 2024-04-03.

gnomAD v4.1: 1 of 1,614,170 alleles (0.000062%); highest among the groups gnomAD compares: African/African-American, 0.0013%; no homozygotes.

Submissions (2):

Labcorp Genetics (formerly Invitae), Labcorp
Classification: Uncertain significance. Last evaluated: 2024-04-03. Review status: criteria provided, single submitter. Criteria: Invitae Variant Classification Sherloc (09022015). Collection method: clinical testing. Allele origin: germline.
Comment: This sequence change replaces glutamine, which is neutral and polar, with histidine, which is basic and polar, at codon 1217 of the SON protein (p.Gln1217His). This variant is not present in population databases (gnomAD no frequency). This variant has not been reported in the literature in individuals affected with SON-related conditions. ClinVar contains an entry for this variant (Variation ID: 1712852). An algorithm developed to predict the effect of missense changes on protein structure and function (PolyPhen-2) suggests that this variant is likely to be disruptive. In summary, the available evidence is currently insufficient to determine the role of this variant in disease. Therefore, it has been classified as a Variant of Uncertain Significance.

GeneDx
Classification: Uncertain significance. Last evaluated: 2022-04-29. Review status: criteria provided, single submitter. Criteria: GeneDx Variant Classification Process June 2021. Collection method: clinical testing. Allele origin: germline. Affected: yes.
Comment: Not observed at significant frequency in large population cohorts (gnomAD); In silico analysis supports that this missense variant does not alter protein structure/function; Has not been previously published as pathogenic or benign to our knowledge